The following is an entry in ClinVar:

ClinVar aggregate classification (germline): Uncertain significance. Review status: criteria provided, multiple submitters, no conflicts (2 of 4 stars). 2 submissions from 2 submitters: Uncertain significance (2). Last evaluated 2022-02-03.

Conditions:
Usher syndrome type 1D (USH1D). Also called: USHER SYNDROME, TYPE ID. Identifiers: Orphanet 231169, Orphanet 886, MedGen C1832845, MONDO:0010984, OMIM 601067.
Usher syndrome type 1F (USH1F). Also called: USHER SYNDROME, TYPE IF. Identifiers: Orphanet 231169, Orphanet 886, MedGen C1865885, MONDO:0011186, OMIM 602083.
Autosomal recessive nonsyndromic hearing loss 23. Identifiers: Orphanet 90636, MedGen C1836027, MONDO:0012293, OMIM 609533.

Submissions (2):

Labcorp Genetics (formerly Invitae), Labcorp
Classification: Uncertain significance. Last evaluated: 2022-02-03. Review status: criteria provided, single submitter. Criteria: Invitae Variant Classification Sherloc (09022015). Collection method: clinical testing. Allele origin: germline.
Comment: This sequence change replaces glycine, which is neutral and non-polar, with arginine, which is basic and polar, at codon 1052 of the PCDH15 protein (p.Gly1052Arg). This variant is not present in population databases (gnomAD no frequency). This variant has not been reported in the literature in individuals affected with PCDH15-related conditions. ClinVar contains an entry for this variant (Variation ID: 1002834). Algorithms developed to predict the effect of missense changes on protein structure and function are either unavailable or do not agree on the potential impact of this missense change (SIFT: "Tolerated"; PolyPhen-2: "Probably Damaging"; Align-GVGD: "Class C0"). In summary, the available evidence is currently insufficient to determine the role of this variant in disease. Therefore, it has been classified as a Variant of Uncertain Significance.

Fulgent Genetics
Classification: Uncertain significance for Usher syndrome type 1D; Usher syndrome type 1F; Autosomal recessive nonsyndromic hearing loss 23. Last evaluated: 2021-12-08. Review status: criteria provided, single submitter. Criteria: ACMG Guidelines, 2015. Collection method: clinical testing. Allele origin: unknown.

NM_001384140.1(PCDH15):c.3154G>C (p.Gly1052Arg)

Gene: PCDH15 (protocadherin related 15; minus strand). Cytogenetic location: 10q21.1.
Variant type: single nucleotide variant.
Coding change: c.3154G>C on transcript NM_001384140.1 (MANE Select); coding-DNA position 3154, G replaced by C.
Protein change: p.Gly1052Arg; replaces glycine 1052 with arginine.
Molecular consequence: missense variant.
Genome position (GRCh38, 1-based): chr10:53,940,944, C>G on the plus strand (G>C on the coding strand, the complement: PCDH15 is on the minus strand). VCF-style: chr10-53940944-C-G. GRCh37 (hg19) VCF-style: chr10-55700704-C-G.
Other names: c.3169G>C, p.Gly1057Arg (NM_001142771.2, NM_001142763.2); c.3154G>C, p.Gly1052Arg (NM_001142772.2, NM_001354420.2, NM_001354429.2 and 4 more transcripts); c.3088G>C, p.Gly1030Arg (NM_001142773.2, NM_001354404.2, NM_001142768.2); c.3175G>C, p.Gly1059Arg (NM_001354411.2); c.2941G>C, p.Gly981Arg (NM_001142765.2); c.3043G>C, p.Gly1015Arg (NM_001142767.2); c.3190G>C, p.Gly1064Arg (NM_001142769.4); short protein forms G1015R, G1030R, G1052R, G1057R, G1059R, G1064R, G981R.
Identifiers: ClinVar variation 1002834 (VCV001002834.5), dbSNP rs2086006894, ClinGen allele CA376517714.